The following is an entry in ClinVar:

NM_004526.4(MCM2):c.68C>T (p.Pro23Leu)

Gene: MCM2 (minichromosome maintenance complex component 2; plus strand). Cytogenetic location: 3q21.3.
Variant type: single nucleotide variant.
Coding change: c.68C>T on transcript NM_004526.4 (MANE Select); coding-DNA position 68, C replaced by T.
Protein change: p.Pro23Leu; replaces proline 23 with leucine.
Molecular consequence: missense variant. On other transcripts: non-coding transcript variant (1).
Genome position (GRCh38, 1-based): chr3:127,599,379, C>T. VCF-style: chr3-127599379-C-T. GRCh37 (hg19) VCF-style: chr3-127318222-C-T.
Other names: short protein forms P23L.
Identifiers: ClinVar variation 2890637 (VCV002890637.3), dbSNP rs2074288488, ClinGen allele CA354380356.

ClinVar aggregate classification (germline): Uncertain significance (1 of 4 stars; one submission).

Allele frequency attached by ClinVar (database versions not stated): gnomAD 0.00002; TOPMed 0.00001.
gnomAD v4.1: 17 of 1,614,054 alleles (0.0011%); highest among the groups gnomAD compares: Admixed American, 0.0017%; no homozygotes.

Submission:

Labcorp Genetics (formerly Invitae), Labcorp
Classification: Uncertain significance. Last evaluated: 2025-06-22. Review status: criteria provided, single submitter. Criteria: Invitae Variant Classification Sherloc (09022015). Collection method: clinical testing. Allele origin: germline.
Comment: This sequence change replaces proline, which is neutral and non-polar, with leucine, which is neutral and non-polar, at codon 23 of the MCM2 protein (p.Pro23Leu). This variant is not present in population databases (gnomAD no frequency). This variant has not been reported in the literature in individuals affected with MCM2-related conditions. ClinVar contains an entry for this variant (Variation ID: 2890637). An algorithm developed to predict the effect of missense changes on protein structure and function (PolyPhen-2) suggests that this variant is likely to be tolerated. In summary, the available evidence is currently insufficient to determine the role of this variant in disease. Therefore, it has been classified as a Variant of Uncertain Significance.